The following is an entry in ClinVar:

NM_014285.7(EXOSC2):c.118A>T (p.Met40Leu)

Genes: EXOSC2 (exosome component 2; plus strand), LOC130002815 (ATAC-STARR-seq lymphoblastoid active region 29156; plus strand). Cytogenetic location: 9q34.12.
Variant type: single nucleotide variant.
Coding change: c.118A>T on transcript NM_014285.7 (MANE Select); coding-DNA position 118, A replaced by T.
Protein change: p.Met40Leu; replaces methionine 40 with leucine.
Molecular consequence: missense variant. On other transcripts: non-coding transcript variant (1).
Genome position (GRCh38, 1-based): chr9:130,693,909, A>T. VCF-style: chr9-130693909-A-T. GRCh37 (hg19) VCF-style: chr9-133569296-A-T.
Other names: c.118A>T, p.Met40Leu (NM_001282708.1, NM_001282709.1); short protein forms M40L.
Identifiers: ClinVar variation 1482502 (VCV001482502.6), dbSNP rs2132623232, ClinGen allele CA375246090.

ClinVar aggregate classification (germline): Uncertain significance (1 of 4 stars; one submission).

Submission:

Labcorp Genetics (formerly Invitae), Labcorp
Classification: Uncertain significance. Last evaluated: 2022-02-02. Review status: criteria provided, single submitter. Criteria: Invitae Variant Classification Sherloc (09022015). Collection method: clinical testing. Allele origin: germline.
Comment: In summary, the available evidence is currently insufficient to determine the role of this variant in disease. Therefore, it has been classified as a Variant of Uncertain Significance. Algorithms developed to predict the effect of missense changes on protein structure and function are either unavailable or do not agree on the potential impact of this missense change (SIFT: "Deleterious"; PolyPhen-2: "Benign"; Align-GVGD: "Class C0"). This variant has not been reported in the literature in individuals affected with EXOSC2-related conditions. This variant is not present in population databases (gnomAD no frequency). This sequence change replaces methionine, which is neutral and non-polar, with leucine, which is neutral and non-polar, at codon 40 of the EXOSC2 protein (p.Met40Leu).